The following is an entry in ClinVar:

NM_000551.4(VHL):c.340+633T>C

Genes: VHL (von Hippel-Lindau tumor suppressor; plus strand), LOC107303340 (3p25 von Hippel-Lindau tumor suppressor, E3 ubiquitin protein ligase Alu-mediated recombination region; plus strand). Cytogenetic location: 3p25.3.
Variant type: single nucleotide variant.
Coding change: c.340+633T>C on transcript NM_000551.4 (MANE Select); 633 bases into the intron after coding-DNA position 340, T replaced by C.
Molecular consequence: intron variant. On other transcripts: missense variant (1).
Genome position (GRCh38, 1-based): chr3:10,142,820, T>C. VCF-style: chr3-10142820-T-C. GRCh37 (hg19) VCF-style: chr3-10184504-T-C.
Other names: c.398T>C (NM_001354723.1); c.398T>C, p.Phe133Ser (NM_001354723.2); c.340+633T>C (NM_198156.3); short protein forms F133S.
Identifiers: ClinVar variation 1060684 (VCV001060684.10), dbSNP rs2125125904, ClinGen allele CA2499216362.

ClinVar aggregate classification (germline): Likely benign. Review status: criteria provided, single submitter (1 of 4 stars). 2 submissions from 2 submitters: Likely benign (1). 1 of the submissions does not count toward it. Last evaluated 2025-11-11.

Conditions:
Chuvash polycythemia. Also called: POLYCYTHEMIA, VHL-DEPENDENT. Identifiers: Orphanet 238557, MedGen C1837915, MONDO:0009892, OMIM 263400.
Von Hippel-Lindau syndrome (VHLS). Also called: Von Hippel-Lindau; von Hippel–Lindau syndrome; VHL syndrome. Identifiers: Orphanet 892, MedGen C0019562, MONDO:0008667, OMIM 193300. Disease mechanism: loss of function.
VHL-related disorder. Also called: VHL-related condition.

Submissions (2):

Labcorp Genetics (formerly Invitae), Labcorp
Classification: Likely benign for Von Hippel-Lindau syndrome; Chuvash polycythemia. Last evaluated: 2025-11-11. Review status: criteria provided, single submitter. Criteria: Invitae Variant Classification Sherloc (09022015). Collection method: clinical testing. Allele origin: germline.

PreventionGenetics, part of Exact Sciences
Classification: Uncertain significance for VHL-related condition. Last evaluated: 2024-09-03. Review status: no assertion criteria provided. Collection method: clinical testing. Allele origin: germline. Not counted in ClinVar's aggregate classification.
Comment: The VHL c.398T>C variant is predicted to result in the amino acid substitution p.Phe133Ser. To our knowledge, this variant has not been reported in the literature or in a large population database, indicating this variant is rare. This variant has an interpretation of likely benign in ClinVar. At this time, the clinical significance of this variant is uncertain due to the absence of conclusive functional and genetic evidence.